The following is an entry in ClinVar:

NM_002528.7(NTHL1):c.313C>G (p.Leu105Val)

Gene: NTHL1 (nth like DNA glycosylase 1; minus strand). Cytogenetic location: 16p13.3.
Variant type: single nucleotide variant.
Coding change: c.313C>G on transcript NM_002528.7 (MANE Select); coding-DNA position 313, C replaced by G.
Protein change: p.Leu105Val; replaces leucine 105 with valine.
Molecular consequence: missense variant. On other transcripts: intron variant (1).
Genome position (GRCh38, 1-based): chr16:2,046,169, G>C on the plus strand (C>G on the coding strand, the complement: NTHL1 is on the minus strand). VCF-style: chr16-2046169-G-C. GRCh37 (hg19) VCF-style: chr16-2096170-G-C.
Other names: c.313C>G, p.Leu105Val (NM_001318193.2); c.24+111C>G (NM_001318194.2); c.337C>G (NM_002528.5); short protein forms L105V.
Identifiers: ClinVar variation 863607 (VCV000863607.8), dbSNP rs1386204098, ClinGen allele CA394295396.

ClinVar aggregate classification (germline): Uncertain significance. Review status: criteria provided, multiple submitters, no conflicts (2 of 4 stars). 2 submissions from 2 submitters: Uncertain significance (2). Last evaluated 2025-12-23.

Conditions:
Hereditary cancer-predisposing syndrome. Also called: Hereditary Cancer Syndrome; Tumor predisposition; Neoplastic Syndromes, Hereditary; Hereditary neoplastic syndrome. Identifiers: Orphanet 140162, MedGen C0027672, MeSH D009386, MONDO:0015356.

Allele frequency attached by ClinVar (database versions not stated): gnomAD exomes below 0.00001.

Submissions (2):

Labcorp Genetics (formerly Invitae), Labcorp
Classification: Uncertain significance. Last evaluated: 2025-12-23. Review status: criteria provided, single submitter. Criteria: Invitae Variant Classification Sherloc (09022015). Collection method: clinical testing. Allele origin: germline.
Comment: This sequence change replaces leucine, which is neutral and non-polar, with valine, which is neutral and non-polar, at codon 113 of the NTHL1 protein (p.Leu113Val). This variant is present in population databases (no rsID available, gnomAD 0.0009%). This variant has not been reported in the literature in individuals affected with NTHL1-related conditions. ClinVar contains an entry for this variant (Variation ID: 863607). An algorithm developed to predict the effect of missense changes on protein structure and function (PolyPhen-2) suggests that this variant is likely to be tolerated. In summary, the available evidence is currently insufficient to determine the role of this variant in disease. Therefore, it has been classified as a Variant of Uncertain Significance.

Ambry Genetics
Classification: Uncertain significance for Hereditary cancer-predisposing syndrome. Last evaluated: 2023-10-27. Review status: criteria provided, single submitter. Criteria: Ambry Variant Classification Scheme 2023. Collection method: clinical testing. Allele origin: germline.
Comment: The p.L113V variant (also known as c.337C>G), located in coding exon 2 of the NTHL1 gene, results from a C to G substitution at nucleotide position 337. The leucine at codon 113 is replaced by valine, an amino acid with highly similar properties. This amino acid position is conserved. In addition, the in silico prediction for this alteration is inconclusive. Since supporting evidence is limited at this time, the clinical significance of this alteration remains unclear.